The following is an entry in ClinVar:

NM_020975.6(RET):c.1456G>C (p.Val486Leu)

Gene: RET (ret proto-oncogene; plus strand). Cytogenetic location: 10q11.21.
Variant type: single nucleotide variant.
Coding change: c.1456G>C on transcript NM_020975.6 (MANE Select); coding-DNA position 1456, G replaced by C.
Protein change: p.Val486Leu; replaces valine 486 with leucine.
Molecular consequence: missense variant. On other transcripts: intron variant (15).
Genome position (GRCh38, 1-based): chr10:43,111,399, G>C. VCF-style: chr10-43111399-G-C. GRCh37 (hg19) VCF-style: chr10-43606847-G-C.
Other names: c.1456G>C, p.Val486Leu (NM_020629.2, NM_020630.7, NM_000323.2 and 6 more transcripts); c.626-700G>C (NM_001406782.1, NM_001406780.1, NM_001406779.1 and 3 more transcripts); c.497-700G>C (NM_001406786.1, NM_001406783.1); c.338-700G>C (NM_001406790.1, NM_001406788.1, NM_001406789.1 and 1 more transcripts); c.74-700G>C (NM_001406794.1, NM_001406792.1, NM_001406793.1); c.694G>C, p.Val232Leu (NM_001355216.2); c.1327G>C, p.Val443Leu (NM_001406761.1, NM_001406762.1, NM_001406764.1 and 1 more transcripts); c.1168G>C, p.Val390Leu (NM_001406766.1, NM_001406767.1, NM_001406770.1); and 5 more; short protein forms V232L, V311L, V354L, V156L, V340L, V390L, V443L, V486L.
Identifiers: ClinVar variation 2568383 (VCV002568383.2), dbSNP rs1588871361, ClinGen allele CA376549721.

ClinVar aggregate classification (germline): Uncertain significance (1 of 4 stars; one submission).

Conditions:
Hereditary cancer-predisposing syndrome. Also called: Hereditary neoplastic syndrome; Hereditary Cancer Syndrome; Neoplastic Syndromes, Hereditary; Tumor predisposition. Identifiers: Orphanet 140162, MedGen C0027672, MeSH D009386, MONDO:0015356.

gnomAD v4.1: 1 of 1,614,016 alleles (0.000062%); highest among the groups gnomAD compares: East Asian, 0.0022%; no homozygotes.

Submission:

Ambry Genetics
Classification: Uncertain significance for Hereditary cancer-predisposing syndrome. Last evaluated: 2023-06-10. Review status: criteria provided, single submitter. Criteria: Ambry Variant Classification Scheme 2023. Collection method: clinical testing. Allele origin: germline.
Comment: The p.V486L variant (also known as c.1456G>C), located in coding exon 7 of the RET gene, results from a G to C substitution at nucleotide position 1456. The valine at codon 486 is replaced by leucine, an amino acid with highly similar properties. This amino acid position is conserved. In addition, this alteration is predicted to be tolerated by in silico analysis. Since supporting evidence is limited at this time, the clinical significance of this alteration remains unclear.